The following is an entry in ClinVar:

NM_000553.6(WRN):c.421G>A (p.Glu141Lys)

Gene: WRN (WRN RecQ like helicase; plus strand). Cytogenetic location: 8p12.
Variant type: single nucleotide variant.
Coding change: c.421G>A on transcript NM_000553.6 (MANE Select); coding-DNA position 421, G replaced by A.
Protein change: p.Glu141Lys; replaces glutamic acid 141 with lysine.
Molecular consequence: missense variant.
Genome position (GRCh38, 1-based): chr8:31,064,980, G>A. VCF-style: chr8-31064980-G-A. GRCh37 (hg19) VCF-style: chr8-30922496-G-A.
Other names: short protein forms E141K.
Identifiers: ClinVar variation 362795 (VCV000362795.9), dbSNP rs769317785, ClinGen allele CA4704060.

ClinVar aggregate classification (germline): Uncertain significance (1 of 4 stars; one submission).

Conditions:
Werner syndrome (WRN). Identifiers: Orphanet 902, MedGen C0043119, MONDO:0010196, OMIM 277700.

Allele frequency attached by ClinVar (database versions not stated): TOPMed below 0.00001; gnomAD 0.00001; gnomAD exomes 0.00001 and 0.00002; ExAC 0.00003.
gnomAD v4.1: 15 of 1,613,742 alleles (0.00093%); highest among the groups gnomAD compares: Middle Eastern, 0.017%; no homozygotes.

Submission:

Labcorp Genetics (formerly Invitae), Labcorp
Classification: Uncertain significance for Werner syndrome. Last evaluated: 2024-05-31. Review status: criteria provided, single submitter. Criteria: Invitae Variant Classification Sherloc (09022015). Collection method: clinical testing. Allele origin: germline.
Comment: This sequence change replaces glutamic acid, which is acidic and polar, with lysine, which is basic and polar, at codon 141 of the WRN protein (p.Glu141Lys). This variant is present in population databases (rs769317785, gnomAD 0.004%). This variant has not been reported in the literature in individuals affected with WRN-related conditions. ClinVar contains an entry for this variant (Variation ID: 362795). Algorithms developed to predict the effect of missense changes on protein structure and function output the following: SIFT: "Not Available"; PolyPhen-2: "Benign"; Align-GVGD: "Not Available". The lysine amino acid residue is found in multiple mammalian species, which suggests that this missense change does not adversely affect protein function. In summary, the available evidence is currently insufficient to determine the role of this variant in disease. Therefore, it has been classified as a Variant of Uncertain Significance.